The following is an entry in ClinVar:

ClinVar aggregate classification (germline): Uncertain significance (1 of 4 stars; one submission).

Conditions:
Propionic acidemia (PROP). Also called: GLYCINEMIA, KETOTIC; HYPERGLYCINEMIA WITH KETOACIDOSIS AND LEUKOPENIA; KETOTIC HYPERGLYCINEMIA. Identifiers: Orphanet 35, MedGen C0268579, MONDO:0011628, OMIM 606054, HP:0003571.

Submission:

Labcorp Genetics (formerly Invitae), Labcorp
Classification: Uncertain significance for Propionic acidemia. Last evaluated: 2024-08-12. Review status: criteria provided, single submitter. Criteria: Invitae Variant Classification Sherloc (09022015). Collection method: clinical testing. Allele origin: germline.
Comment: This sequence change replaces lysine, which is basic and polar, with asparagine, which is neutral and polar, at codon 88 of the PCCA protein (p.Lys88Asn). This variant is not present in population databases (gnomAD no frequency). This variant has not been reported in the literature in individuals affected with PCCA-related conditions. ClinVar contains an entry for this variant (Variation ID: 1446159). Advanced modeling of protein sequence and biophysical properties (such as structural, functional, and spatial information, amino acid conservation, physicochemical variation, residue mobility, and thermodynamic stability) has been performed at Invitae for this missense variant, however the output from this modeling did not meet the statistical confidence thresholds required to predict the impact of this variant on PCCA protein function. In summary, the available evidence is currently insufficient to determine the role of this variant in disease. Therefore, it has been classified as a Variant of Uncertain Significance.

NM_000282.4(PCCA):c.264G>C (p.Lys88Asn)

Gene: PCCA (propionyl-CoA carboxylase subunit alpha; plus strand). Cytogenetic location: 13q32.3.
Variant type: single nucleotide variant.
Coding change: c.264G>C on transcript NM_000282.4 (MANE Select); coding-DNA position 264, G replaced by C.
Protein change: p.Lys88Asn; replaces lysine 88 with asparagine.
Molecular consequence: missense variant. On other transcripts: 5 prime UTR variant (3), non-coding transcript variant (5).
Genome position (GRCh38, 1-based): chr13:100,112,025, G>C. VCF-style: chr13-100112025-G-C. GRCh37 (hg19) VCF-style: chr13-100764279-G-C.
Other names: c.186G>C, p.Lys62Asn (NM_001127692.3, NM_001352607.2, NM_001352608.2); c.264G>C, p.Lys88Asn (NM_001178004.2, NM_001352605.2, NM_001352606.2 and 1 more transcripts); c.-603G>C (NM_001352610.2, NM_001352611.2, NM_001352612.2); short protein forms K62N, K88N.
Identifiers: ClinVar variation 1446159 (VCV001446159.6), dbSNP rs2152279056, ClinGen allele CA388693159.